The following is an entry in ClinVar:

ClinVar aggregate classification (germline): Likely benign (1 of 4 stars; one submission).

Submission:

CeGaT Center for Human Genetics Tuebingen
Classification: Likely benign. Last evaluated: 2024-09-01. Review status: criteria provided, single submitter. Criteria: CeGaT Center For Human Genetics Tuebingen Variant Classification Criteria Version 2. Collection method: clinical testing. Allele origin: germline. Affected: yes. Observed: 1 variant allele.
Comment: CUX1: PP2, BP4, BS2

NM_001913.5(CUX1):c.1850C>T (p.Ala617Val)

Gene: CUX1 (cut like homeobox 1; plus strand). Cytogenetic location: 7q22.1.
Variant type: single nucleotide variant.
Coding change: c.1850C>T on transcript NM_001913.5 (MANE Plus Clinical); coding-DNA position 1850, C replaced by T.
Protein change: p.Ala617Val; replaces alanine 617 with valine.
Molecular consequence: missense variant.
Genome position (GRCh38, 1-based): chr7:102,281,868, C>T. VCF-style: chr7-102281868-C-T. GRCh37 (hg19) VCF-style: chr7-101925160-C-T.
Other names: c.1802C>T, p.Ala601Val (NM_001202544.3); c.1712C>T, p.Ala571Val (NM_001202545.3); c.1733C>T, p.Ala578Val (NM_001202546.3); c.1844C>T, p.Ala615Val (NM_181500.4); short protein forms A571V, A578V, A601V, A615V, A617V.
Identifiers: ClinVar variation 3389108 (VCV003389108.14).
Genomic context (GRCh38, chr7:102,281,868, plus strand): 5'-CCCATCCCCACTCACCCCCTCCTTGCTCCCAGGGGCGTCTGGTTCTCTCCAACAAGATGG[C>T]GCGCACCATCGGCTTCTTCTACACACTGTTCCTGCACTGCCTGGTCTTCCTGGTGAGTGT-3'
Protein context (NP_001904.2, residues 607-627): MGRLVLSNKM[Ala617Val]RTIGFFYTLF